The following is an entry in ClinVar:

NM_032730.5(RTN4IP1):c.146A>G (p.Asp49Gly)

Gene: RTN4IP1 (reticulon 4 interacting protein 1; minus strand). Cytogenetic location: 6q21.
Variant type: single nucleotide variant.
Coding change: c.146A>G on transcript NM_032730.5 (MANE Select); coding-DNA position 146, A replaced by G.
Protein change: p.Asp49Gly; replaces aspartic acid 49 with glycine.
Molecular consequence: missense variant. On other transcripts: intron variant (1).
Genome position (GRCh38, 1-based): chr6:106,628,876, T>C on the plus strand (A>G on the coding strand, the complement: RTN4IP1 is on the minus strand). VCF-style: chr6-106628876-T-C. GRCh37 (hg19) VCF-style: chr6-107076751-T-C.
Other names: c.-27+1451A>G (NM_001318746.1); short protein forms D49G.
Identifiers: ClinVar variation 1379398 (VCV001379398.6), dbSNP rs1364904208, ClinGen allele CA365168884.

ClinVar aggregate classification (germline): Uncertain significance (1 of 4 stars; one submission).

Allele frequency attached by ClinVar (database versions not stated): TOPMed 0.00001.

Submission:

Labcorp Genetics (formerly Invitae), Labcorp
Classification: Uncertain significance. Last evaluated: 2022-07-27. Review status: criteria provided, single submitter. Criteria: Invitae Variant Classification Sherloc (09022015). Collection method: clinical testing. Allele origin: germline.
Comment: In summary, the available evidence is currently insufficient to determine the role of this variant in disease. Therefore, it has been classified as a Variant of Uncertain Significance. Algorithms developed to predict the effect of sequence changes on RNA splicing suggest that this variant may create or strengthen a splice site. Algorithms developed to predict the effect of missense changes on protein structure and function are either unavailable or do not agree on the potential impact of this missense change (SIFT: "Tolerated"; PolyPhen-2: "Possibly Damaging"; Align-GVGD: "Class C0"). ClinVar contains an entry for this variant (Variation ID: 1379398). This variant has not been reported in the literature in individuals affected with RTN4IP1-related conditions. This variant is not present in population databases (gnomAD no frequency). This sequence change replaces aspartic acid, which is acidic and polar, with glycine, which is neutral and non-polar, at codon 49 of the RTN4IP1 protein (p.Asp49Gly).